The following is an entry in ClinVar:

NM_152419.3(HGSNAT):c.475C>T (p.Pro159Ser)

Gene: HGSNAT (heparan-alpha-glucosaminide N-acetyltransferase; plus strand). Cytogenetic location: 8p11.21.
Variant type: single nucleotide variant.
Coding change: c.475C>T on transcript NM_152419.3 (MANE Select); coding-DNA position 475, C replaced by T.
Protein change: p.Pro159Ser; replaces proline 159 with serine.
Molecular consequence: missense variant. On other transcripts: 5 prime UTR variant (1).
Genome position (GRCh38, 1-based): chr8:43,159,026, C>T. VCF-style: chr8-43159026-C-T. GRCh37 (hg19) VCF-style: chr8-43014169-C-T.
Other names: c.475C>T, p.Pro159Ser (NM_001363227.2, NM_001363228.2); c.-359C>T (NM_001363229.2); c.475C>T (NM_152419.2); short protein forms P159S.
Identifiers: ClinVar variation 2198657 (VCV002198657.3), dbSNP rs573840743, ClinGen allele CA4736513.

ClinVar aggregate classification (germline): Conflicting classifications of pathogenicity. Review status: criteria provided, conflicting classifications (1 of 4 stars). 3 submissions from 3 submitters: Uncertain significance (2); Likely benign (1). Last evaluated 2025-03-19.

Conditions:
Retinitis pigmentosa 73 (RP73). Identifiers: Orphanet 791, MedGen C4225287, MONDO:0014687, OMIM 616544.
Mucopolysaccharidosis, MPS-III-C (MPS3C). Also called: SANFILIPPO SYNDROME C; MPS III C; MUCOPOLYSACCHARIDOSIS, TYPE IIIC; Mucopolysaccharidosis type IIIC (Sanfilippo C); mucopolysaccharidosis type 3C; MPS IIIC (Sanfilippo Syndrome Type C). Identifiers: Orphanet 581, Orphanet 79271, MedGen C0086649, MONDO:0009657, OMIM 252930.
HGSNAT-related disorder. Also called: HGSNAT-related condition.

Allele frequency attached by ClinVar (database versions not stated): 1000 Genomes Project 30x 0.00016; ExAC 0.00004; 1000 Genomes Project 0.00020.

Submissions (3):

PreventionGenetics, part of Exact Sciences
Classification: Likely benign for HGSNAT-related condition. Last evaluated: 2025-03-19. Review status: criteria provided, single submitter. Criteria: ACMG Guidelines, 2015. Collection method: clinical testing. Allele origin: germline.
Comment: This variant is classified as likely benign based on ACMG/AMP sequence variant interpretation guidelines (Richards et al. 2015 PMID: 25741868, with internal and published modifications).

Blueprint Genetics
Classification: Uncertain significance. Last evaluated: 2023-02-09. Review status: criteria provided, single submitter. Criteria: ACMG Guidelines, 2015. Collection method: clinical testing. Allele origin: germline.

Labcorp Genetics (formerly Invitae), Labcorp
Classification: Uncertain significance for Retinitis pigmentosa 73; Mucopolysaccharidosis, MPS-III-C. Last evaluated: 2022-10-19. Review status: criteria provided, single submitter. Criteria: Invitae Variant Classification Sherloc (09022015). Collection method: clinical testing. Allele origin: germline.
Comment: This sequence change replaces proline, which is neutral and non-polar, with serine, which is neutral and polar, at codon 159 of the HGSNAT protein (p.Pro159Ser). This variant is present in population databases (rs573840743, gnomAD 0.1%). This variant has not been reported in the literature in individuals affected with HGSNAT-related conditions. Advanced modeling of protein sequence and biophysical properties (such as structural, functional, and spatial information, amino acid conservation, physicochemical variation, residue mobility, and thermodynamic stability) performed at Invitae indicates that this missense variant is expected to disrupt HGSNAT protein function. In summary, the available evidence is currently insufficient to determine the role of this variant in disease. Therefore, it has been classified as a Variant of Uncertain Significance.